The following is an entry in ClinVar:

ClinVar aggregate classification (germline): Uncertain significance (1 of 4 stars; one submission).

Conditions:
Hereditary breast ovarian cancer syndrome. Also called: Hereditary breast and ovarian cancer syndrome (HBOC); Hereditary breast and ovarian cancer syndrome; Breast and ovarian cancer; Hereditary breast and/or ovarian cancer syndrome; Hereditary breast and ovarian cancer; BRCA1- and BRCA2-Associated Hereditary Breast and Ovarian Cancer. Identifiers: Orphanet 145, MedGen C0677776, MeSH D061325, MONDO:0003582. Disease mechanism: loss of function.

Submission:

Labcorp Genetics (formerly Invitae), Labcorp
Classification: Uncertain significance for Hereditary breast ovarian cancer syndrome. Last evaluated: 2021-08-24. Review status: criteria provided, single submitter. Criteria: Invitae Variant Classification Sherloc (09022015). Collection method: clinical testing. Allele origin: germline.
Comment: This sequence change replaces proline with threonine at codon 153 of the BRCA2 protein (p.Pro153Thr). The proline residue is highly conserved and there is a small physicochemical difference between proline and threonine. This variant is not present in population databases (ExAC no frequency). This variant has not been reported in the literature in individuals affected with BRCA2-related conditions. Algorithms developed to predict the effect of missense changes on protein structure and function are either unavailable or do not agree on the potential impact of this missense change (SIFT: "Deleterious"; PolyPhen-2: "Probably Damaging"; Align-GVGD: "Class C0"). In summary, the available evidence is currently insufficient to determine the role of this variant in disease. Therefore, it has been classified as a Variant of Uncertain Significance.

NM_000059.4(BRCA2):c.457C>A (p.Pro153Thr)

Gene: BRCA2 (BRCA2 DNA repair associated; plus strand). Cytogenetic location: 13q13.1.
Variant type: single nucleotide variant.
Coding change: c.457C>A on transcript NM_000059.4 (MANE Select); coding-DNA position 457, C replaced by A.
Protein change: p.Pro153Thr; replaces proline 153 with threonine.
Molecular consequence: missense variant.
Genome position (GRCh38, 1-based): chr13:32,326,132, C>A. VCF-style: chr13-32326132-C-A. GRCh37 (hg19) VCF-style: chr13-32900269-C-A.
Other names: short protein forms P153T.
Identifiers: ClinVar variation 462347 (VCV000462347.6), dbSNP rs1555280950, ClinGen allele CA387757134.